The following is an entry in ClinVar:

NM_058195.4(CDKN2A):c.3G>A (p.Met1Ile)

Gene: CDKN2A (cyclin dependent kinase inhibitor 2A; minus strand). Cytogenetic location: 9p21.3.
Variant type: single nucleotide variant.
Coding change: c.3G>A on transcript NM_058195.4 (MANE Plus Clinical); coding-DNA position 3, G replaced by A.
Protein change: p.Met1Ile; changes the start codon (methionine 1).
Molecular consequence: missense variant, initiator codon variant. On other transcripts: intron variant (1).
Genome position (GRCh38, 1-based): chr9:21,994,329, C>T on the plus strand (G>A on the coding strand, the complement: CDKN2A is on the minus strand). VCF-style: chr9-21994329-C-T. GRCh37 (hg19) VCF-style: chr9-21994328-C-T.
Other names: c.-4+492G>A (NM_001363763.2); short protein forms M1I.
Identifiers: ClinVar variation 1485983 (VCV001485983.9), dbSNP rs1820538211, ClinGen allele CA373087135.
Genomic context (GRCh38, chr9:21,994,329, plus strand): 5'-CCTCACTCGCGGCGGGCCGCACGCGCGCCGAATCCGGAGGGTCACCAAGAACCTGCGCAC[C>T]ATGTTCTCGCCGCCTCCAGGGCCGAGCTCGGCAGCCGCTGCGCCGCCCTTTGGCACCAGA-3'
Protein context (NP_478102.2, residues 1-11): [Met1Ile]VRRFLVTLRI

ClinVar aggregate classification (germline): Conflicting classifications of pathogenicity. Review status: criteria provided, conflicting classifications (1 of 4 stars). 3 submissions from 3 submitters: Pathogenic (1); Uncertain significance (2). Last evaluated 2025-08-12.

Conditions:
Hereditary cancer-predisposing syndrome. Also called: Neoplastic Syndromes, Hereditary; Tumor predisposition; Hereditary Cancer Syndrome; Hereditary neoplastic syndrome. Identifiers: Orphanet 140162, MedGen C0027672, MeSH D009386, MONDO:0015356.
Familial melanoma. Also called: Hereditary melanoma; Hereditary cutaneous melanoma. Identifiers: Orphanet 618, MedGen C1512419, MONDO:0018961.
Melanoma-pancreatic cancer syndrome. Identifiers: Orphanet 404560, MedGen C1838547, MONDO:0011713, OMIM 606719. Disease mechanism: loss of function.

Allele frequency attached by ClinVar (database versions not stated): gnomAD exomes below 0.00001.
gnomAD v4.1: 1 of 1,606,272 alleles (0.000062%); highest among the groups gnomAD compares: Non-Finnish European, 0.000085%; no homozygotes.

Submissions (3):

Myriad Genetics, Inc.
Classification: Pathogenic for Melanoma-pancreatic cancer syndrome. Last evaluated: 2025-08-12. Review status: criteria provided, single submitter. Criteria: Myriad Autosomal Dominant, Autosomal Recessive and X-Linked Classification Criteria (2023). Collection method: clinical testing. Allele origin: unknown.
Comment: This variant is considered pathogenic. This variant is located within the gene translation start codon (p.Met1?) and is predicted to result in abnormal protein translation.

Ambry Genetics
Classification: Uncertain significance for Hereditary cancer-predisposing syndrome. Last evaluated: 2024-07-22. Review status: criteria provided, single submitter. Criteria: Ambry Variant Classification Scheme 2023. Collection method: clinical testing. Allele origin: germline.
Comment: The p.M1? variant (also known as c.3G>A) is located in coding exon 1 of the CDKN2A (p14ARF) gene and results from a G to A substitution at nucleotide position 3. This alters the methionine residue at the initiation codon (ATG). This variant was observed in an individual with early onset-breast cancer amongst a cohort of 1781 non-Ashkenazi Jewish individuals undergoing BRCA1/2 gene testing based on a personal history of breast cancer (Tung N et al. Cancer 2015 Jan;121(1):25-33). This alteration is expected to result in protein truncation or nonsense-mediated mRNA decay. However, loss of function has not been established as a mechanism of disease for the p14 isoform of CDKN2A. Based on the available evidence, the clinical significance of this variant remains unclear.

Labcorp Genetics (formerly Invitae), Labcorp
Classification: Uncertain significance for Familial melanoma. Last evaluated: 2021-08-12. Review status: criteria provided, single submitter. Criteria: Invitae Variant Classification Sherloc (09022015). Collection method: clinical testing. Allele origin: germline.

Literature cited by the submitters: PubMed 25186627 (cited by Ambry Genetics).